The following is an entry in ClinVar:

ClinVar aggregate classification (germline): Uncertain significance (1 of 4 stars; one submission).

Allele frequency attached by ClinVar (database versions not stated): gnomAD exomes below 0.00001.
gnomAD v4.1: 1 of 1,614,052 alleles (0.000062%); highest among the groups gnomAD compares: East Asian, 0.0022%; no homozygotes.

Submission:

CeGaT Center for Human Genetics Tuebingen
Classification: Uncertain significance. Last evaluated: 2024-02-01. Review status: criteria provided, single submitter. Criteria: CeGaT Center For Human Genetics Tuebingen Variant Classification Criteria Version 2. Collection method: clinical testing. Allele origin: germline. Affected: yes. Observed: 1 variant allele.
Comment: ATN1: PM2

NM_001940.4(ATN1):c.2959C>T (p.His987Tyr)

Gene: ATN1 (atrophin 1; plus strand). Cytogenetic location: 12p13.31.
Variant type: single nucleotide variant.
Coding change: c.2959C>T on transcript NM_001940.4 (MANE Select); coding-DNA position 2959, C replaced by T.
Protein change: p.His987Tyr; replaces histidine 987 with tyrosine.
Molecular consequence: missense variant.
Genome position (GRCh38, 1-based): chr12:6,938,922, C>T. VCF-style: chr12-6938922-C-T. GRCh37 (hg19) VCF-style: chr12-7048085-C-T.
Other names: c.2959C>T, p.His987Tyr (NM_001007026.2, NM_001424176.1, NM_001424177.1 and 1 more transcripts); c.2956C>T, p.His986Tyr (NM_001424179.1, NM_001424180.1); c.2938C>T, p.His980Tyr (NM_001424181.1); c.2935C>T, p.His979Tyr (NM_001424182.1); short protein forms H979Y, H980Y, H986Y, H987Y.
Identifiers: ClinVar variation 3027362 (VCV003027362.22), dbSNP rs2542638811, ClinGen allele CA383739999.